The following is an entry in ClinVar:

NM_001166108.2(PALLD):c.614T>G (p.Leu205Arg)

Gene: PALLD (palladin, cytoskeletal associated protein; plus strand). Cytogenetic location: 4q32.3.
Variant type: single nucleotide variant.
Coding change: c.614T>G on transcript NM_001166108.2 (MANE Select); coding-DNA position 614, T replaced by G.
Protein change: p.Leu205Arg; replaces leucine 205 with arginine.
Molecular consequence: missense variant.
Genome position (GRCh38, 1-based): chr4:168,512,118, T>G. VCF-style: chr4-168512118-T-G. GRCh37 (hg19) VCF-style: chr4-169433269-T-G.
Other names: c.614T>G, p.Leu205Arg (NM_016081.4); short protein forms L205R.
Identifiers: ClinVar variation 1751884 (VCV001751884.2), dbSNP rs2531434607, ClinGen allele CA358726496.

ClinVar aggregate classification (germline): Uncertain significance (1 of 4 stars; one submission).

Submission:

Ambry Genetics
Classification: Uncertain significance. Last evaluated: 2022-05-22. Review status: criteria provided, single submitter. Criteria: Ambry Variant Classification Scheme 2023. Collection method: clinical testing. Allele origin: germline.
Comment: The p.L205R variant (also known as c.614T>G), located in coding exon 1 of the PALLD gene, results from a T to G substitution at nucleotide position 614. The leucine at codon 205 is replaced by arginine, an amino acid with dissimilar properties. This amino acid position is conserved. In addition, the in silico prediction for this alteration is inconclusive. Since supporting evidence is limited at this time, the clinical significance of this alteration remains unclear.